The following is an entry in ClinVar:

ClinVar aggregate classification (germline): Benign/Likely benign. Review status: criteria provided, multiple submitters, no conflicts (2 of 4 stars). 11 submissions from 11 submitters: Benign (5); Likely benign (4). 2 of the submissions do not count toward it. Last evaluated 2026-05-01.

Conditions:
Joubert syndrome 3 (JBTS3). Also called: AHI1-related Ciliopathy. Identifiers: Orphanet 220493, MedGen C1837713, MONDO:0012078, OMIM 608629.
Joubert syndrome. Also called: JOUBERT-BOLTSHAUSER SYNDROME; Familial aplasia of the vermis. Identifiers: Orphanet 475, MedGen C5979921, MONDO:0018772.

Allele frequency attached by ClinVar (database versions not stated): 1000 Genomes Project 30x 0.00187; TOPMed 0.00225; ExAC 0.00398; gnomAD exomes 0.00405 and 0.00291; gnomAD 0.00338 and 0.00348; 1000 Genomes Project 0.00200; ESP Exome Variant Server 0.00239.
gnomAD v4.1: 4,800 of 1,613,882 alleles (0.3%); highest among the groups gnomAD compares: Middle Eastern, 0.99%; 18 homozygotes.

Submissions (11):

CeGaT Center for Human Genetics Tuebingen
Classification: Likely benign. Last evaluated: 2026-05-01. Review status: criteria provided, single submitter. Criteria: CeGaT Center For Human Genetics Tuebingen Variant Classification Criteria Version 2. Collection method: clinical testing. Allele origin: germline. Affected: yes. Observed: 14 variant alleles.
Comment: AHI1: BP4, BS2

Labcorp Genetics (formerly Invitae), Labcorp
Classification: Benign for Joubert syndrome. Last evaluated: 2026-02-02. Review status: criteria provided, single submitter. Criteria: Invitae Variant Classification Sherloc (09022015). Collection method: clinical testing. Allele origin: germline.

Blueprint Genetics
Classification: Likely benign. Last evaluated: 2024-11-26. Review status: criteria provided, single submitter. Criteria: ACMG Guidelines, 2015. Collection method: clinical testing. Allele origin: germline.

GeneDx
Classification: Benign. Last evaluated: 2019-02-15. Review status: criteria provided, single submitter. Criteria: GeneDx Variant Classification Process June 2021. Collection method: clinical testing. Allele origin: germline. Affected: yes.

Illumina Laboratory Services, Illumina
Classification: Benign for Joubert syndrome 3. Last evaluated: 2017-04-27. Review status: criteria provided, single submitter. Criteria: ICSL Variant Classification Criteria 13 December 2019. Collection method: clinical testing. Allele origin: germline.
Comment: This variant was observed as part of a predisposition screen in an ostensibly healthy population. A literature search was performed for the gene, cDNA change, and amino acid change (where applicable). Publications were found based on this search. The evidence from the literature, in combination with allele frequency data from public databases where available, was sufficient to rule this variant out of causing disease. Therefore, this variant is classified as benign.

Genomic Diagnostic Laboratory, Division of Genomic Diagnostics, Children's Hospital of Philadelphia
Classification: Benign. Last evaluated: 2015-10-29. Review status: criteria provided, single submitter. Criteria: DGD Variant Analysis Guidelines. Collection method: clinical testing. Allele origin: unknown.

Eurofins Ntd Llc (ga)
Classification: Benign. Last evaluated: 2015-03-02. Review status: criteria provided, single submitter. Criteria: EGL Classification Definitions 2015. Collection method: clinical testing. Allele origin: germline. Observed: 1 variant allele, 1 heterozygote.

Breakthrough Genomics
Classification: Likely benign. Review status: criteria provided, single submitter. Criteria: ACMG Guidelines, 2015. Collection method: not provided. Allele origin: germline. Inheritance: Autosomal recessive inheritance. Affected: yes.

PreventionGenetics, part of Exact Sciences
Classification: Likely benign. Review status: criteria provided, single submitter. Criteria: ACMG Guidelines, 2015. Collection method: clinical testing. Allele origin: germline.

Clinical Genetics, Academic Medical Center
Classification: Benign. Review status: no assertion criteria provided. Collection method: clinical testing. Allele origin: germline. Affected: yes. Study: VKGL Data-share Consensus. Not counted in ClinVar's aggregate classification.

Genome Diagnostics Laboratory, University Medical Center Utrecht
Classification: Benign. Review status: no assertion criteria provided. Collection method: clinical testing. Allele origin: germline. Affected: yes. Study: VKGL Data-share Consensus. Not counted in ClinVar's aggregate classification.

Literature cited by the submitters: PubMed 22236771 (cited by Illumina Laboratory Services, Illumina).

NM_001134831.2(AHI1):c.517G>A (p.Ala173Thr)

Gene: AHI1 (Abelson helper integration site 1; minus strand). Cytogenetic location: 6q23.3.
Variant type: single nucleotide variant.
Coding change: c.517G>A on transcript NM_001134831.2 (MANE Select); coding-DNA position 517, G replaced by A.
Protein change: p.Ala173Thr; replaces alanine 173 with threonine.
Molecular consequence: missense variant.
Genome position (GRCh38, 1-based): chr6:135,466,046, C>T on the plus strand (G>A on the coding strand, the complement: AHI1 is on the minus strand). VCF-style: chr6-135466046-C-T. GRCh37 (hg19) VCF-style: chr6-135787184-C-T.
Other names: c.517G>A, p.Ala173Thr (NM_001134830.2, NM_001134832.2, NM_001350503.2 and 2 more transcripts); short protein forms A173T.
Identifiers: ClinVar variation 166664 (VCV000166664.81), dbSNP rs146416468, ClinGen allele CA248771.
Genomic context (GRCh38, chr6:135,466,046, plus strand): 5'-GATATGCTTGCATCAATTCTTCATCCTCTTCTAAATCAGTCTCTTCTCTTCCCTCATTTG[C>T]CTTCTCACTTTTCTGATGATCAACGCCTGGCTGTGGCTTTGTATGTGTTTTCTGGTGTGT-3'
Protein context (NP_001128303.1, residues 163-183): PGVDHQKSEK[Ala173Thr]NEGREETDLE